The following is an entry in ClinVar:

NM_000132.4(F8):c.6968G>A (p.Arg2323His)

Gene: F8 (coagulation factor VIII; minus strand). Cytogenetic location: Xq28.
Variant type: single nucleotide variant.
Coding change: c.6968G>A on transcript NM_000132.4 (MANE Select); coding-DNA position 6968, G replaced by A.
Protein change: p.Arg2323His; replaces arginine 2323 with histidine.
Molecular consequence: missense variant.
Genome position (GRCh38, 1-based): chrX:154,837,685, C>T on the plus strand (G>A on the coding strand, the complement: F8 is on the minus strand). VCF-style: chrX-154837685-C-T. GRCh37 (hg19) VCF-style: chrX-154065960-C-T.
Other names: F8, ARG2304HIS; R2304H; c.563G>A, p.Arg188His (NM_019863.3); short protein forms R2323H, R188H.
Identifiers: ClinVar variation 10334 (VCV000010334.3), dbSNP rs137852474, ClinGen allele CA255226.

ClinVar aggregate classification (germline): Pathogenic/Likely pathogenic. Review status: criteria provided, multiple submitters, no conflicts (2 of 4 stars). 3 submissions from 3 submitters: Pathogenic (1); Likely pathogenic (1). 1 of the submissions does not count toward it. Last evaluated 2025-09-24.

Conditions:
Hereditary factor VIII deficiency disease (HEMA). Also called: AUTOSOMAL HEMOPHILIA A; Hemophilia A, congenital; HEM A; Factor 8 deficiency, congenital; Hemophilia A; HEMOPHILIA, CLASSIC. Identifiers: Orphanet 98878, MedGen C0019069, MONDO:0010602, OMIM 306700.

Allele frequency attached by ClinVar (database versions not stated): TOPMed 0.00001.

Submissions (3):

Genesolutions, Medical Genetics Institutes, Ho Chi Minh City, Vietnam
Classification: Pathogenic for Hereditary factor VIII deficiency disease. Last evaluated: 2025-09-24. Review status: criteria provided, single submitter. Criteria: ACMG Guidelines, 2015. Collection method: clinical testing. Allele origin: germline. Affected: yes.

Myriad Genetics, Inc.
Classification: Likely pathogenic for Hereditary factor VIII deficiency disease. Last evaluated: 2025-05-09. Review status: criteria provided, single submitter. Criteria: Myriad Autosomal Dominant, Autosomal Recessive and X-Linked Classification Criteria (2023). Collection method: clinical testing. Allele origin: unknown.
Comment: NM_000132.3(F8):c.6968G>A(R2323H) is a missense variant classified as likely pathogenic in the context of hemophilia A. R2323H has been observed in cases with relevant disease (PMID: 8547094, 12871415, 18479430, 22958177, 29296726, 36833187). Relevant functional assessments of this variant are available in the literature (PMID: 11246544). R2323H has not been observed in referenced population frequency databases. In summary, NM_000132.3(F8):c.6968G>A(R2323H) is a missense variant that has functional support for pathogenicity and has been observed more frequently in cases with the relevant disease than in healthy populations. Please note: this variant was assessed in the context of healthy population screening.

OMIM
Classification: Pathogenic for HEMOPHILIA A. Last evaluated: 1995-01-01. Review status: no assertion criteria provided. Collection method: literature only. Allele origin: germline. Not counted in ClinVar's aggregate classification.

Literature cited by the submitters: PubMed 11246544 (cited by Myriad Genetics, Inc.); PubMed 12871415 (cited by Myriad Genetics, Inc.); PubMed 18479430 (cited by Myriad Genetics, Inc.); PubMed 22958177 (cited by Myriad Genetics, Inc.); PubMed 29296726 (cited by Myriad Genetics, Inc.); PubMed 36833187 (cited by Myriad Genetics, Inc.); PubMed 8547094 (cited by Myriad Genetics, Inc.); PubMed 7728145 (cited by OMIM).